The following is an entry in ClinVar:

ClinVar aggregate classification (germline): Uncertain significance (1 of 4 stars; one submission).

Conditions:
Renal tubular acidosis with progressive nerve deafness. Also called: RENAL TUBULAR ACIDOSIS, AUTOSOMAL RECESSIVE, WITH PROGRESSIVE NERVE DEAFNESS; RTA WITH PROGRESSIVE NERVE DEAFNESS; Distal Renal Tubular Acidosis with Progressive Sensorineural Deafness; renal tubular acidosis, distal, 2, with progressive sensorineural hearing loss. Identifiers: MedGen C0403554, MONDO:0009968, OMIM 267300.

Submission:

Neuberg Centre For Genomic Medicine, NCGM
Classification: Uncertain significance for Renal tubular acidosis with progressive nerve deafness. Review status: criteria provided, single submitter. Criteria: ACMG Guidelines, 2015. Collection method: clinical testing. Allele origin: germline. Inheritance: Autosomal recessive inheritance. Affected: yes.
Comment: The missense variant p.A204E in ATP6V1B1 (NM_001692.4) has not been reported previously as a pathogenic variant nor as a benign variant, to our knowledge. The p.A204E variant is novel (not in any individuals) in gnomAD Exomes and is novel (not in any individuals) in 1000 Genomes. There is a moderate physicochemical difference between alanine and glutamic acid. The gene ATP6V1B1 has a low rate of benign missense variation as indicated by a high missense variants Z-Score of 1.07. The gene ATP6V1B1 contains 4 pathogenic missense variants, indicating that missense variants are a common mechanism of disease in this gene. The p.A204E missense variant is predicted to be damaging by both SIFT and PolyPhen2. The alanine residue at codon 204 of ATP6V1B1 is conserved in all mammalian species. The nucleotide c.611 in ATP6V1B1 is predicted conserved by GERP++ and PhyloP across 100 vertebrates. For these reasons, this variant has been classified as Uncertain Significance.

NM_001692.4(ATP6V1B1):c.611C>A (p.Ala204Glu)

Gene: ATP6V1B1 (ATPase H+ transporting V1 subunit B1; plus strand). Cytogenetic location: 2p13.3.
Variant type: single nucleotide variant.
Coding change: c.611C>A on transcript NM_001692.4 (MANE Select); coding-DNA position 611, C replaced by A.
Protein change: p.Ala204Glu; replaces alanine 204 with glutamic acid.
Molecular consequence: missense variant.
Genome position (GRCh38, 1-based): chr2:70,960,946, C>A. VCF-style: chr2-70960946-C-A. GRCh37 (hg19) VCF-style: chr2-71188076-C-A.
Other names: short protein forms A204E.
Identifiers: ClinVar variation 2627496 (VCV002627496.1), dbSNP rs1553419944, ClinGen allele CA347182736.